The following is an entry in ClinVar:

ClinVar aggregate classification (germline): Pathogenic (1 of 4 stars; one submission).

Conditions:
MHC class II deficiency. Also called: Bare lymphocyte syndrome 2; BLS, TYPE II. Identifiers: Orphanet 572, MedGen C5447452, MONDO:0008855.

Submission:

Labcorp Genetics (formerly Invitae), Labcorp
Classification: Pathogenic for MHC class II deficiency. Last evaluated: 2023-03-02. Review status: criteria provided, single submitter. Criteria: Invitae Variant Classification Sherloc (09022015). Collection method: clinical testing. Allele origin: germline.
Comment: This variant is not present in population databases (gnomAD no frequency). This variant has not been reported in the literature in individuals affected with CIITA-related conditions. For these reasons, this variant has been classified as Pathogenic. This sequence change creates a premature translational stop signal (p.Gly856Alafs*34) in the CIITA gene. It is expected to result in an absent or disrupted protein product. Loss-of-function variants in CIITA are known to be pathogenic (PMID: 8402893, 9099848, 26271388).

Literature cited by the submitters: PubMed 8402893; PubMed 9099848; PubMed 26271388.

NM_000246.4(CIITA):c.2567del (p.Gly856fs)

Gene: CIITA (class II major histocompatibility complex transactivator; plus strand). Cytogenetic location: 16p13.13.
Variant type: Deletion.
Coding change: c.2567del on transcript NM_000246.4 (MANE Select); coding-DNA position 2567, one base deleted (G; older notation c.2567delG).
Protein change: p.Gly856fs; shifts the reading frame from glycine 856.
Molecular consequence: frameshift variant. On other transcripts: intron variant (1).
Genome position (GRCh38, 1-based): chr16:10,908,059, G deleted; the last of 3 consecutive G bases (chr16:10,908,057-10,908,059); deleting any one gives the same sequence. VCF-style (leftmost placement, unchanged base first): chr16-10908056-CG-C. GRCh37 (hg19) VCF-style: chr16-11001913-CG-C.
Other names: c.2570del, p.Gly857fs (NM_001286402.1, NM_001379332.1); c.2423del, p.Gly808fs (NM_001379330.1); c.2420del, p.Gly807fs (NM_001379331.1); c.2567del, p.Gly856fs (NM_001379333.1); c.2498del, p.Gly833fs (NM_001379334.1); c.860-924del (NM_001286403.2); short protein forms G833fs, G857fs, G807fs, G808fs, G856fs.
Identifiers: ClinVar variation 2842088 (VCV002842088.3), dbSNP rs2544499041, ClinGen allele CA2739266609.
Genomic context (GRCh38, chr16:10,908,056, plus strand): 5'-TTCTGGGCACCCGCCTCACGCCTCCTGATGCACATGTACTGGGCAAGGCCTTGGAGGCGG[CG>C]GGCCAAGACTTCTCCCTGGACCTCCGCAGCACTGGCATTTGCCCCTCTGGATTGGGGAGC-3'